The following is an entry in ClinVar:

NM_152424.4(AMER1):c.806A>G (p.His269Arg)

Gene: AMER1 (APC membrane recruitment protein 1; minus strand). Cytogenetic location: Xq11.2.
Variant type: single nucleotide variant.
Coding change: c.806A>G on transcript NM_152424.4 (MANE Select); coding-DNA position 806, A replaced by G.
Protein change: p.His269Arg; replaces histidine 269 with arginine.
Molecular consequence: missense variant.
Genome position (GRCh38, 1-based): chrX:64,192,481, T>C on the plus strand (A>G on the coding strand, the complement: AMER1 is on the minus strand). VCF-style: chrX-64192481-T-C. GRCh37 (hg19) VCF-style: chrX-63412361-T-C.
Other names: short protein forms H269R.
Identifiers: ClinVar variation 2415397 (VCV002415397.6), dbSNP rs781019812, ClinGen allele CA10432425.

ClinVar aggregate classification (germline): Uncertain significance (1 of 4 stars; one submission).

Allele frequency attached by ClinVar (database versions not stated): TOPMed below 0.00001.

Submission:

Labcorp Genetics (formerly Invitae), Labcorp
Classification: Uncertain significance. Last evaluated: 2022-08-30. Review status: criteria provided, single submitter. Criteria: Invitae Variant Classification Sherloc (09022015). Collection method: clinical testing. Allele origin: germline.
Comment: In summary, the available evidence is currently insufficient to determine the role of this variant in disease. Therefore, it has been classified as a Variant of Uncertain Significance. Algorithms developed to predict the effect of missense changes on protein structure and function (SIFT, PolyPhen-2, Align-GVGD) all suggest that this variant is likely to be tolerated. This variant has not been reported in the literature in individuals affected with AMER1-related conditions. This variant is present in population databases (rs781019812, gnomAD 0.001%), including at least one homozygous and/or hemizygous individual. This sequence change replaces histidine, which is basic and polar, with arginine, which is basic and polar, at codon 269 of the AMER1 protein (p.His269Arg).